The following is an entry in ClinVar:

ClinVar aggregate classification (germline): Likely pathogenic. Review status: reviewed by expert panel (3 of 4 stars). 2 submissions from 2 submitters: Likely pathogenic (1). 1 of the submissions does not count toward it. Last evaluated 2026-04-29.

Conditions:
RUNX1-related disorder. Also called: RUNX1-related condition.
Hereditary thrombocytopenia and hematologic cancer predisposition syndrome. Identifiers: Orphanet 71290, MedGen CN281654, MONDO:0011071.

Submissions (2):

ClinGen Myeloid Malignancy Variant Curation Expert Panel
Classification: Likely pathogenic for Hereditary thrombocytopenia and hematologic cancer predisposition syndrome. Last evaluated: 2026-04-29. Review status: reviewed by expert panel. Criteria: ClinGen MyeloMalig ACMG Specifications V3.1. Collection method: curation. Allele origin: germline. Inheritance: Autosomal dominant inheritance.
Comment: NM_001754.5(RUNX1):c.509G>A (p.Gly170Glu) is a missense variant which affects one of the hotspot residues (G170) in the RHD (PM1_strong). This variant has a REVEL score ≥0.88 (0.95) (PP3) and a MAF ≤ 0.00005 in gnomAD v4 across all subpopulations with at least 20x coverage for RUNX1 (PM2_supporting). In summary, this variant meets criteria to be classified as likely pathogenic. ACMG/AMP criteria applied, as specified by the Myeloid Malignancy Variant Curation Expert Panel for RUNX1: PM1_strong, PP3, PM2_supporting.

PreventionGenetics, part of Exact Sciences
Classification: Uncertain significance for RUNX1-related condition. Last evaluated: 2023-04-17. Review status: criteria provided, single submitter. Criteria: ACMG Guidelines, 2015. Collection method: clinical testing. Allele origin: germline. Not counted in ClinVar's aggregate classification.
Comment: The RUNX1 c.509G>A variant is predicted to result in the amino acid substitution p.Gly170Glu. To our knowledge, this variant has not been reported in the literature or in a large population database, indicating this variant is rare. At this time, the clinical significance of this variant is uncertain due to the absence of conclusive functional and genetic evidence.

NM_001754.5(RUNX1):c.509G>A (p.Gly170Glu)

Genes: RUNX1 (RUNX family transcription factor 1; minus strand), RUNX1-AS1 (RUNX1 antisense RNA 1; plus strand). Cytogenetic location: 21q22.12.
Variant type: single nucleotide variant.
Coding change: c.509G>A on transcript NM_001754.5 (MANE Select); coding-DNA position 509, G replaced by A.
Protein change: p.Gly170Glu; replaces glycine 170 with glutamic acid.
Molecular consequence: missense variant.
Genome position (GRCh38, 1-based): chr21:34,859,578, C>T on the plus strand (G>A on the coding strand, the complement: RUNX1 is on the minus strand). VCF-style: chr21-34859578-C-T. GRCh37 (hg19) VCF-style: chr21-36231875-C-T.
Other names: NM_001754.5(RUNX1):c.509G>A; p.Gly170Glu; c.428G>A, p.Gly143Glu (NM_001001890.3, NM_001122607.2); short protein forms G143E, G170E.
Identifiers: ClinVar variation 2633656 (VCV002633656.4), dbSNP rs2146236988, ClinGen allele CA410208159.